The following is an entry in ClinVar:

NM_000138.5(FBN1):c.6762A>G (p.Gly2254=)

Gene: FBN1 (fibrillin 1; minus strand). Cytogenetic location: 15q21.1.
Variant type: single nucleotide variant.
Coding change: c.6762A>G on transcript NM_000138.5 (MANE Select); coding-DNA position 6762, A replaced by G.
Protein change: p.Gly2254=; no amino-acid change (glycine 2254 retained).
Molecular consequence: synonymous variant.
Genome position (GRCh38, 1-based): chr15:48,430,780, T>C on the plus strand (A>G on the coding strand, the complement: FBN1 is on the minus strand). VCF-style: chr15-48430780-T-C. GRCh37 (hg19) VCF-style: chr15-48722977-T-C.
Other names: c.6762A>G, p.Gly2254= (NM_001406716.1).
Identifiers: ClinVar variation 3072746 (VCV003072746.4), dbSNP rs1432789903, ClinGen allele CA490018243.

ClinVar aggregate classification (germline): Likely benign. Review status: criteria provided, multiple submitters, no conflicts (2 of 4 stars). 3 submissions from 3 submitters: Likely benign (3). Last evaluated 2025-12-14.

Conditions:
Marfan syndrome (MFS). Also called: MARFAN SYNDROME, TYPE I; Marfan syndrome type 1; Marfan's syndrome; Marfan syndrome, classic; FBN1-Related Marfan Syndrome. Identifiers: Orphanet 284963, Orphanet 558, MedGen C0024796, MONDO:0007947, OMIM 154700.
Familial thoracic aortic aneurysm and aortic dissection (TAAD). Also called: Thoracic aortic aneurysms and dissections. Identifiers: Orphanet 91387, MedGen C4707243, MONDO:0019625.

Allele frequency attached by ClinVar (database versions not stated): gnomAD 0.00002; TOPMed 0.00002; gnomAD exomes below 0.00001.
gnomAD v4.1: 5 of 1,613,762 alleles (0.00031%); highest among the groups gnomAD compares: Admixed American, 0.0017%; no homozygotes.

Submissions (3):

Labcorp Genetics (formerly Invitae), Labcorp
Classification: Likely benign for Marfan syndrome; Familial thoracic aortic aneurysm and aortic dissection. Last evaluated: 2025-12-14. Review status: criteria provided, single submitter. Criteria: Invitae Variant Classification Sherloc (09022015). Collection method: clinical testing. Allele origin: germline.

Ambry Genetics
Classification: Likely benign for Familial thoracic aortic aneurysm and aortic dissection. Last evaluated: 2025-03-31. Review status: criteria provided, single submitter. Criteria: Ambry Variant Classification Scheme 2023. Collection method: clinical testing. Allele origin: germline.

All of Us Research Program, National Institutes of Health
Classification: Likely benign for Marfan syndrome. Last evaluated: 2023-08-15. Review status: criteria provided, single submitter. Criteria: ACMG Guidelines, 2015. Collection method: clinical testing. Allele origin: germline. Inheritance: Autosomal dominant inheritance. Observed: 1 variant allele, 1 heterozygote.
Comment: This study involves interpretation of variants in research participants for the purpose of population health screening. Participant phenotype was not available at the time of variant classification. Additional details can be found in publication PMID: 35346344, PMCID: PMC8962531